The following is an entry in ClinVar:

ClinVar aggregate classification (germline): Uncertain significance. Review status: criteria provided, multiple submitters, no conflicts (2 of 4 stars). 4 submissions from 3 submitters: Uncertain significance (4). Last evaluated 2025-12-03.

Conditions:
Myelodysplastic syndrome (MDS). Also called: Myelodysplastic syndrome, somatic; Myelodysplastic syndromes; MYELODYSPLASTIC SYNDROME, SUSCEPTIBILITY TO. Identifiers: Orphanet 52688, MedGen C3463824, MeSH D009190, MONDO:0018881, OMIM 614286.
Bohring-Opitz syndrome. Also called: C-LIKE SYNDROME; BOHRING SYNDROME; OPITZ TRIGONOCEPHALY-LIKE SYNDROME; ASXL1-Related Bohring-Opitz Syndrome. Identifiers: Orphanet 97297, MedGen C0796232, MONDO:0011510, OMIM 605039.

Submissions (4):

Labcorp Genetics (formerly Invitae), Labcorp
Classification: Uncertain significance. Last evaluated: 2025-12-03. Review status: criteria provided, single submitter. Criteria: Invitae Variant Classification Sherloc (09022015). Collection method: clinical testing. Allele origin: germline.
Comment: This variant, c.4285_4287del, results in the deletion of 1 amino acid(s) of the ASXL1 protein (p.Ser1429del), but otherwise preserves the integrity of the reading frame. This variant is not present in population databases (gnomAD no frequency). This variant has not been reported in the literature in individuals affected with ASXL1-related conditions. Experimental studies and prediction algorithms are not available or were not evaluated, and the functional significance of this variant is currently unknown. In summary, the available evidence is currently insufficient to determine the role of this variant in disease. Therefore, it has been classified as a Variant of Uncertain Significance.

CeGaT Center for Human Genetics Tuebingen
Classification: Uncertain significance. Last evaluated: 2022-12-01. Review status: criteria provided, single submitter. Criteria: CeGaT Center For Human Genetics Tuebingen Variant Classification Criteria Version 2. Collection method: clinical testing. Allele origin: germline. Affected: yes. Observed: 1 variant allele.
Comment: ASXL1: PM4

Genomic Research Center, Shahid Beheshti University of Medical Sciences
Classification: Uncertain significance for C-like syndrome. Last evaluated: 2018-08-07. Review status: criteria provided, single submitter. Criteria: ACMG Guidelines, 2015. Collection method: clinical testing. Allele origin: unknown. Affected: yes. Observed: 1 variant allele.

Genomic Research Center, Shahid Beheshti University of Medical Sciences
Classification: Uncertain significance for Myelodysplastic syndrome. Last evaluated: 2018-08-07. Review status: criteria provided, single submitter. Criteria: ACMG Guidelines, 2015. Collection method: clinical testing. Allele origin: unknown. Affected: yes. Observed: 1 variant allele.

NM_015338.6(ASXL1):c.4282TCT[1] (p.Ser1429del)

Gene: ASXL1 (ASXL transcriptional regulator 1; plus strand). Cytogenetic location: 20q11.21.
Variant type: Microsatellite.
Coding change: c.4282TCT[1] on transcript NM_015338.6 (MANE Select); one copy of the 3-base unit TCT starting at c.4282; the reference has two copies in a row; one copy, 3 bases deleted.
Protein change: p.Ser1429del; deletes serine 1429.
Molecular consequence: inframe deletion.
Genome position (GRCh38, 1-based): chr20:32,436,997-32,436,999, TCT deleted; deleting any 3 consecutive bases within chr20:32,436,992-32,436,999 gives the same sequence; the position shown is the placement nearest the transcript's 3' end. VCF-style (leftmost placement, unchanged base first): chr20-32436991-CCTT-C. GRCh37 (hg19) VCF-style: chr20-31024794-CCTT-C.
Other names: c.4285_4287delTCT (NM_015338.5); c.4099TCT[1], p.Ser1368del (NM_001363734.1); short protein forms S1429del, S1368del.
Identifiers: ClinVar variation 587611 (VCV000587611.34), dbSNP rs1203207717, ClinGen allele CA743642409.
Genomic context (GRCh38, chr20:32,436,991, plus strand): 5'-GACTTGCCCTTCTGGAAATTACCCCGAGAGCCAGGGAAGGGGCTCAGTGAGCCTCTGGAG[CCTT>C]CTTCTCTCCCCTCCCAACTCAGCATCAAGCAGGCATTTTATGGGAAGCTTTCTAAACTCC-3'